The following is an entry in ClinVar:

ClinVar aggregate classification (germline): Uncertain significance. Review status: criteria provided, multiple submitters, no conflicts (2 of 4 stars). 3 submissions from 3 submitters: Uncertain significance (3). Last evaluated 2024-12-10.

Conditions:
LRP2-related disorder. Also called: LRP2-related condition.
Inborn genetic diseases. Identifiers: MedGen C0950123, MeSH D030342.

Allele frequency attached by ClinVar (database versions not stated): gnomAD exomes 0.00001; gnomAD 0.00002.
gnomAD v4.1: 13 of 1,614,016 alleles (0.00081%); highest among the groups gnomAD compares: Admixed American, 0.0033%; no homozygotes.

Submissions (3):

PreventionGenetics, part of Exact Sciences
Classification: Uncertain significance for LRP2-related condition. Last evaluated: 2024-12-10. Review status: criteria provided, single submitter. Criteria: ACMG Guidelines, 2015. Collection method: clinical testing. Allele origin: germline.
Comment: The LRP2 c.9293A>T variant is predicted to result in the amino acid substitution p.Asp3098Val. To our knowledge, this variant has not been reported in the literature or in a large population database (gnomAD), indicating this variant is rare. At this time, the clinical significance of this variant is uncertain due to the absence of conclusive functional and genetic evidence.

Ambry Genetics
Classification: Uncertain significance for Inborn genetic diseases. Last evaluated: 2024-06-18. Review status: criteria provided, single submitter. Criteria: Ambry Variant Classification Scheme 2023. Collection method: clinical testing. Allele origin: germline.

Labcorp Genetics (formerly Invitae), Labcorp
Classification: Uncertain significance. Last evaluated: 2022-06-23. Review status: criteria provided, single submitter. Criteria: Invitae Variant Classification Sherloc (09022015). Collection method: clinical testing. Allele origin: germline.
Comment: This sequence change replaces aspartic acid, which is acidic and polar, with valine, which is neutral and non-polar, at codon 3098 of the LRP2 protein (p.Asp3098Val). This variant is not present in population databases (gnomAD no frequency). This variant has not been reported in the literature in individuals affected with LRP2-related conditions. Algorithms developed to predict the effect of missense changes on protein structure and function are either unavailable or do not agree on the potential impact of this missense change (SIFT: "Deleterious"; PolyPhen-2: "Probably Damaging"; Align-GVGD: "Class C0"). In summary, the available evidence is currently insufficient to determine the role of this variant in disease. Therefore, it has been classified as a Variant of Uncertain Significance.

NM_004525.3(LRP2):c.9293A>T (p.Asp3098Val)

Gene: LRP2 (LDL receptor related protein 2; minus strand). Cytogenetic location: 2q31.1.
Variant type: single nucleotide variant.
Coding change: c.9293A>T on transcript NM_004525.3 (MANE Select); coding-DNA position 9293, A replaced by T.
Protein change: p.Asp3098Val; replaces aspartic acid 3098 with valine.
Molecular consequence: missense variant.
Genome position (GRCh38, 1-based): chr2:169,188,005, T>A on the plus strand (A>T on the coding strand, the complement: LRP2 is on the minus strand). VCF-style: chr2-169188005-T-A. GRCh37 (hg19) VCF-style: chr2-170044515-T-A.
Other names: c.9293A>T (NM_004525.2); short protein forms D3098V.
Identifiers: ClinVar variation 1441342 (VCV001441342.7), dbSNP rs1359300593, ClinGen allele CA349156031.